The following is an entry in ClinVar:

NM_005084.4(PLA2G7):c.1136T>C (p.Val379Ala)

Gene: PLA2G7 (phospholipase A2 group VII; minus strand). Cytogenetic location: 6p12.3.
Variant type: single nucleotide variant.
Coding change: c.1136T>C on transcript NM_005084.4 (MANE Select); coding-DNA position 1136, T replaced by C.
Protein change: p.Val379Ala; replaces valine 379 with alanine.
Molecular consequence: missense variant.
Genome position (GRCh38, 1-based): chr6:46,705,206, A>G on the plus strand (T>C on the coding strand, the complement: PLA2G7 is on the minus strand). VCF-style: chr6-46705206-A-G. GRCh37 (hg19) VCF-style: chr6-46672943-A-G.
Other names: A379V; c.1136T>C, p.Val379Ala (NM_001168357.2); short protein forms V379A.
Identifiers: ClinVar variation 7916 (VCV000007916.7), dbSNP rs1051931, ClinGen allele CA119151.
Genomic context (GRCh38, chr6:46,705,206, plus strand): 5'-TTCTTACCTAAATGCTTTTGTAAGAATGCTAATGAAGCTTTGTTGCTAAGATCAATAGCT[A>G]CATTTGAATCTATGTCTCCCTTTAATTTGAGCATGTGTCCAATTATTTTGCCAGTTGCAA-3'
Protein context (NP_005075.3, residues 369-389): LKLKGDIDSN[Val379Ala]AIDLSNKASL

ClinVar aggregate classification (germline): Benign. Review status: criteria provided, single submitter (1 of 4 stars). 4 submissions from 4 submitters: Benign (1). 3 of the submissions do not count toward it. Last evaluated 2018-12-11.

Conditions:
PLA2G7-related disorder. Also called: PLA2G7-related condition.
RECLASSIFIED - MYOC POLYMORPHISM. Also called: RECLASSIFIED - MS4A2 POLYMORPHISM; RECLASSIFIED - POLYMORPHISM; RECLASSIFIED - IL4R POLYMORPHISM; RECLASSIFIED - PLA2G7 POLYMORPHISM.

Allele frequency attached by ClinVar (database versions not stated): gnomAD 0.79161 and 0.78685; 1000 Genomes Project 30x 0.80949; ExAC 0.80334; gnomAD exomes 0.80514; 1000 Genomes Project 0.81030; TOPMed 0.78674.
gnomAD v4.1: 1,292,613 of 1,606,512 alleles (80%); highest among the groups gnomAD compares: East Asian, 89%; 520,711 homozygotes.

Submissions (4):

GeneDx
Classification: Benign. Last evaluated: 2018-12-11. Review status: criteria provided, single submitter. Criteria: GeneDx Variant Classification Process June 2021. Collection method: clinical testing. Allele origin: germline. Affected: yes.
Comment: This variant is associated with the following publications: (PMID: 24463064, 24682749, 10733466, 20926117, 21880383, 19763134, 12801611)

PreventionGenetics, part of Exact Sciences
Classification: Benign for PLA2G7-related condition. Last evaluated: 2019-09-24. Review status: no assertion criteria provided. Collection method: clinical testing. Allele origin: germline. Not counted in ClinVar's aggregate classification.
Comment: This variant is classified as benign based on ACMG/AMP sequence variant interpretation guidelines (Richards et al. 2015 PMID: 25741868, with internal and published modifications).

OMIM
Classification: Benign for RECLASSIFIED - PLA2G7 POLYMORPHISM. Last evaluated: 2004-07-01. Review status: no assertion criteria provided. Collection method: literature only. Allele origin: germline. Not counted in ClinVar's aggregate classification.

Lab. of Molecular Biology of Arterial Hypertension University of Padova
No classification provided. Review status: no classification provided. Collection method: not provided. Allele origin: unknown. Not counted in ClinVar's aggregate classification.

Literature cited by the submitters: PubMed 10733466 (cited by OMIM); PubMed 15115767 (cited by OMIM); Hamosh, A. Personal Communication. 2023. Baltimore, Md. (cited by OMIM).